The following is an entry in ClinVar:

NM_001164508.2(NEB):c.6803G>A (p.Ser2268Asn)

Gene: NEB (nebulin; minus strand). Cytogenetic location: 2q23.3.
Variant type: single nucleotide variant.
Coding change: c.6803G>A on transcript NM_001164508.2 (MANE Select); coding-DNA position 6803, G replaced by A.
Protein change: p.Ser2268Asn; replaces serine 2268 with asparagine.
Molecular consequence: missense variant.
Genome position (GRCh38, 1-based): chr2:151,655,274, C>T on the plus strand (G>A on the coding strand, the complement: NEB is on the minus strand). VCF-style: chr2-151655274-C-T. GRCh37 (hg19) VCF-style: chr2-152511788-C-T.
Other names: c.6803G>A, p.Ser2268Asn (NM_001164507.2, NM_001271208.2, NM_004543.5); c.6803G>A (NM_004543.4); short protein forms S2268N.
Identifiers: ClinVar variation 1343533 (VCV001343533.4), dbSNP rs2099075647, ClinGen allele CA348793882.

ClinVar aggregate classification (germline): Uncertain significance. Review status: criteria provided, multiple submitters, no conflicts (2 of 4 stars). 3 submissions from 3 submitters: Uncertain significance (3). Last evaluated 2022-02-18.

Conditions:
Nemaline myopathy 2 (NEM2). Also called: Nemaline myopathy 2, autosomal recessive. Identifiers: MedGen C1850569, MONDO:0009725, OMIM 256030.
Inborn genetic diseases. Identifiers: MedGen C0950123, MeSH D030342.

Allele frequency attached by ClinVar (database versions not stated): gnomAD exomes below 0.00001; TOPMed 0.00001.
gnomAD v4.1: 3 of 1,539,744 alleles (0.00019%); highest among the groups gnomAD compares: South Asian, 0.0011%; no homozygotes.

Submissions (3):

Women's Health and Genetics/Laboratory Corporation of America, LabCorp
Classification: Uncertain significance. Last evaluated: 2022-02-18. Review status: criteria provided, single submitter. Criteria: LabCorp Variant Classification Summary - May 2015. Collection method: clinical testing. Allele origin: germline.

Ambry Genetics
Classification: Uncertain significance for Inborn genetic diseases. Last evaluated: 2022-01-26. Review status: criteria provided, single submitter. Criteria: Ambry Variant Classification Scheme 2023. Collection method: clinical testing. Allele origin: germline.

Labcorp Genetics (formerly Invitae), Labcorp
Classification: Uncertain significance for Nemaline myopathy 2. Last evaluated: 2022-01-04. Review status: criteria provided, single submitter. Criteria: Invitae Variant Classification Sherloc (09022015). Collection method: clinical testing. Allele origin: germline.
Comment: This sequence change replaces serine, which is neutral and polar, with asparagine, which is neutral and polar, at codon 2268 of the NEB protein (p.Ser2268Asn). This variant is not present in population databases (gnomAD no frequency). This variant has not been reported in the literature in individuals affected with NEB-related conditions. Algorithms developed to predict the effect of missense changes on protein structure and function are either unavailable or do not agree on the potential impact of this missense change (SIFT: "Deleterious"; PolyPhen-2: "Not Available"; Align-GVGD: "Class C0"). In summary, the available evidence is currently insufficient to determine the role of this variant in disease. Therefore, it has been classified as a Variant of Uncertain Significance.